The following is an entry in ClinVar:

ClinVar aggregate classification (germline): Uncertain significance (1 of 4 stars; one submission).

Conditions:
Primary ciliary dyskinesia. Also called: Ciliary dyskinesia. Identifiers: Orphanet 244, MedGen C0008780, MONDO:0016575, HP:0012265.

Allele frequency attached by ClinVar (database versions not stated): TOPMed below 0.00001.

Submission:

Labcorp Genetics (formerly Invitae), Labcorp
Classification: Uncertain significance for Primary ciliary dyskinesia. Last evaluated: 2023-12-02. Review status: criteria provided, single submitter. Criteria: Invitae Variant Classification Sherloc (09022015). Collection method: clinical testing. Allele origin: germline.
Comment: This sequence change replaces methionine, which is neutral and non-polar, with arginine, which is basic and polar, at codon 387 of the DRC1 protein (p.Met387Arg). This variant is not present in population databases (gnomAD no frequency). This variant has not been reported in the literature in individuals affected with DRC1-related conditions. An algorithm developed to predict the effect of missense changes on protein structure and function (PolyPhen-2) suggests that this variant is likely to be tolerated. In summary, the available evidence is currently insufficient to determine the role of this variant in disease. Therefore, it has been classified as a Variant of Uncertain Significance.

NM_145038.5(DRC1):c.1160T>G (p.Met387Arg)

Gene: DRC1 (dynein regulatory complex subunit 1; plus strand). Cytogenetic location: 2p23.3.
Variant type: single nucleotide variant.
Coding change: c.1160T>G on transcript NM_145038.5 (MANE Select); coding-DNA position 1160, T replaced by G.
Protein change: p.Met387Arg; replaces methionine 387 with arginine.
Molecular consequence: missense variant.
Genome position (GRCh38, 1-based): chr2:26,444,353, T>G. VCF-style: chr2-26444353-T-G. GRCh37 (hg19) VCF-style: chr2-26667221-T-G.
Other names: short protein forms M387R.
Identifiers: ClinVar variation 2782423 (VCV002782423.3), dbSNP rs1663796438, ClinGen allele CA346109690.